The following is an entry in ClinVar:

ClinVar aggregate classification (germline): Uncertain significance (1 of 4 stars; one submission).

Conditions:
Long QT syndrome (LQTS). Identifiers: MedGen C0023976, MeSH D008133, MONDO:0002442. Disease mechanism: loss of function. Inheritance: Various modes of inheritance.

Submission:

Labcorp Genetics (formerly Invitae), Labcorp
Classification: Uncertain significance for Long QT syndrome. Last evaluated: 2023-12-22. Review status: criteria provided, single submitter. Criteria: Invitae Variant Classification Sherloc (09022015). Collection method: clinical testing. Allele origin: germline.
Comment: This sequence change replaces aspartic acid, which is acidic and polar, with tyrosine, which is neutral and polar, at codon 704 of the AKAP9 protein (p.Asp704Tyr). This variant is not present in population databases (gnomAD no frequency). This variant has not been reported in the literature in individuals affected with AKAP9-related conditions. An algorithm developed to predict the effect of missense changes on protein structure and function (PolyPhen-2) suggests that this variant is likely to be disruptive. In summary, the available evidence is currently insufficient to determine the role of this variant in disease. Therefore, it has been classified as a Variant of Uncertain Significance.

NM_005751.5(AKAP9):c.2110G>T (p.Asp704Tyr)

Gene: AKAP9 (A-kinase anchoring protein 9; plus strand). Cytogenetic location: 7q21.2.
Variant type: single nucleotide variant.
Coding change: c.2110G>T on transcript NM_005751.5 (MANE Select); coding-DNA position 2110, G replaced by T.
Protein change: p.Asp704Tyr; replaces aspartic acid 704 with tyrosine.
Molecular consequence: missense variant.
Genome position (GRCh38, 1-based): chr7:92,002,027, G>T. VCF-style: chr7-92002027-G-T. GRCh37 (hg19) VCF-style: chr7-91631341-G-T.
Other names: c.2110G>T, p.Asp704Tyr (NM_147185.3); short protein forms D704Y.
Identifiers: ClinVar variation 2723903 (VCV002723903.3), dbSNP rs2484692356, ClinGen allele CA368123352.